The following is an entry in ClinVar:

ClinVar aggregate classification (germline): Uncertain significance. Review status: criteria provided, multiple submitters, no conflicts (2 of 4 stars). 2 submissions from 2 submitters: Uncertain significance (2). Last evaluated 2025-08-13.

Conditions:
Hereditary cancer-predisposing syndrome. Also called: Tumor predisposition; Hereditary neoplastic syndrome; Hereditary Cancer Syndrome; Neoplastic Syndromes, Hereditary. Identifiers: Orphanet 140162, MedGen C0027672, MeSH D009386, MONDO:0015356.

Allele frequency attached by ClinVar (database versions not stated): TOPMed 0.00001.
gnomAD v4.1: 3 of 1,614,054 alleles (0.00019%); highest among the groups gnomAD compares: African/African-American, 0.004%; no homozygotes.

Submissions (2):

Labcorp Genetics (formerly Invitae), Labcorp
Classification: Uncertain significance. Last evaluated: 2025-08-13. Review status: criteria provided, single submitter. Criteria: Invitae Variant Classification Sherloc (09022015). Collection method: clinical testing. Allele origin: germline.
Comment: This sequence change replaces proline, which is neutral and non-polar, with arginine, which is basic and polar, at codon 517 of the POLE protein (p.Pro517Arg). This variant is not present in population databases (gnomAD no frequency). This variant has not been reported in the literature in individuals affected with POLE-related conditions. ClinVar contains an entry for this variant (Variation ID: 964145). Invitae Evidence Modeling of protein sequence and biophysical properties (such as structural, functional, and spatial information, amino acid conservation, physicochemical variation, residue mobility, and thermodynamic stability) indicates that this missense variant is expected to disrupt POLE protein function with a positive predictive value of 80%. In summary, the available evidence is currently insufficient to determine the role of this variant in disease. Therefore, it has been classified as a Variant of Uncertain Significance.

Ambry Genetics
Classification: Uncertain significance for Hereditary cancer-predisposing syndrome. Last evaluated: 2024-03-30. Review status: criteria provided, single submitter. Criteria: Ambry Variant Classification Scheme 2023. Collection method: clinical testing. Allele origin: germline.
Comment: The p.P517R variant (also known as c.1550C>G), located in coding exon 15 of the POLE gene, results from a C to G substitution at nucleotide position 1550. The proline at codon 517 is replaced by arginine, an amino acid with dissimilar properties. This amino acid position is conserved. In addition, this alteration is predicted to be deleterious by in silico analysis. Based on the available evidence, the clinical significance of this alteration remains unclear.

NM_006231.4(POLE):c.1550C>G (p.Pro517Arg)

Gene: POLE (DNA polymerase epsilon, catalytic subunit; minus strand). Cytogenetic location: 12q24.33.
Variant type: single nucleotide variant.
Coding change: c.1550C>G on transcript NM_006231.4 (MANE Select); coding-DNA position 1550, C replaced by G.
Protein change: p.Pro517Arg; replaces proline 517 with arginine.
Molecular consequence: missense variant.
Genome position (GRCh38, 1-based): chr12:132,672,763, G>C on the plus strand (C>G on the coding strand, the complement: POLE is on the minus strand). VCF-style: chr12-132672763-G-C. GRCh37 (hg19) VCF-style: chr12-133249349-G-C.
Other names: c.1550C>G (NM_006231.2); short protein forms P517R.
Identifiers: ClinVar variation 964145 (VCV000964145.10), dbSNP rs780556141, ClinGen allele CA387357179.